The following is an entry in ClinVar:

ClinVar aggregate classification (germline): Uncertain significance (1 of 4 stars; one submission).

Conditions:
Ehlers-Danlos syndrome, type 4 (EDSVASC). Also called: Ehlers-Danlos syndrome vascular type; Ehlers Danlos syndrome, ecchymotic type; Ehlers Danlos syndrome, arterial type; Ehlers Danlos syndrome, Sack-Barabas type; Ehlers-Danlos Syndrome Type IV. Identifiers: Orphanet 286, MedGen C0268338, MONDO:0017314, OMIM 130050.

Submission:

Labcorp Genetics (formerly Invitae), Labcorp
Classification: Uncertain significance for Ehlers-Danlos syndrome, type 4. Last evaluated: 2022-03-20. Review status: criteria provided, single submitter. Criteria: Invitae Variant Classification Sherloc (09022015). Collection method: clinical testing. Allele origin: germline.
Comment: This sequence change replaces threonine, which is neutral and polar, with isoleucine, which is neutral and non-polar, at codon 1433 of the COL3A1 protein (p.Thr1433Ile). This variant is not present in population databases (gnomAD no frequency). This variant has not been reported in the literature in individuals affected with COL3A1-related conditions. Advanced modeling of protein sequence and biophysical properties (such as structural, functional, and spatial information, amino acid conservation, physicochemical variation, residue mobility, and thermodynamic stability) performed at Invitae indicates that this missense variant is not expected to disrupt COL3A1 protein function. In summary, the available evidence is currently insufficient to determine the role of this variant in disease. Therefore, it has been classified as a Variant of Uncertain Significance.

NM_000090.4(COL3A1):c.4298C>T (p.Thr1433Ile)

Gene: COL3A1 (collagen type III alpha 1 chain; plus strand). Cytogenetic location: 2q32.2.
Variant type: single nucleotide variant.
Coding change: c.4298C>T on transcript NM_000090.4 (MANE Select); coding-DNA position 4298, C replaced by T.
Protein change: p.Thr1433Ile; replaces threonine 1433 with isoleucine.
Molecular consequence: missense variant.
Genome position (GRCh38, 1-based): chr2:189,011,671, C>T. VCF-style: chr2-189011671-C-T. GRCh37 (hg19) VCF-style: chr2-189876397-C-T.
Other names: short protein forms T1433I.
Identifiers: ClinVar variation 2115100 (VCV002115100.1), dbSNP rs2469172684, ClinGen allele CA349850294.